The following is an entry in ClinVar:

NM_001009944.3(PKD1):c.7209+1G>A

Gene: PKD1 (polycystin 1, transient receptor potential channel interacting; minus strand). Cytogenetic location: 16p13.3.
Variant type: single nucleotide variant.
Coding change: c.7209+1G>A on transcript NM_001009944.3 (MANE Select); the canonical splice donor site of the intron after coding-DNA position 7209, G replaced by A.
Molecular consequence: splice donor variant.
Genome position (GRCh38, 1-based): chr16:2,106,804, C>T on the plus strand (G>A on the coding strand, the complement: PKD1 is on the minus strand). VCF-style: chr16-2106804-C-T. GRCh37 (hg19) VCF-style: chr16-2156805-C-T.
Other names: c.7209+1G>A (NM_000296.4).
Identifiers: ClinVar variation 3579286 (VCV003579286.3).

ClinVar aggregate classification (germline): Pathogenic/Likely pathogenic. Review status: criteria provided, multiple submitters, no conflicts (2 of 4 stars). 2 submissions from 2 submitters: Pathogenic (1); Likely pathogenic (1). Last evaluated 2025-04-03.

Conditions:
Polycystic kidney disease, adult type (PKD1). Also called: Polycystic Kidney Disease 1, Autosomal Dominant; Polycystic kidney disease 1; Polycystic kidney disease 1, severe; POLYCYSTIC KIDNEY DISEASE 1 WITH OR WITHOUT POLYCYSTIC LIVER DISEASE; POLYCYSTIC KIDNEY DISEASE, ADULT, TYPE I; Polycystic Kidney, Autosomal Dominant. Identifiers: MedGen C3149841, MONDO:0008263, OMIM 173900.

Submissions (2):

Women's Health and Genetics/Laboratory Corporation of America, LabCorp
Classification: Likely pathogenic for Polycystic kidney disease, adult type. Last evaluated: 2025-04-03. Review status: criteria provided, single submitter. Criteria: LabCorp Variant Classification Summary - May 2015. Collection method: clinical testing. Allele origin: germline.
Comment: Variant summary: PKD1 c.7209+1G>A is located in a canonical splice-site and is predicted to affect mRNA splicing resulting in a significantly altered protein due to either exon skipping, shortening, or inclusion of intronic material. Variants that disrupt the consensus splice site are a relatively common cause of aberrant splicing and loss of PKD1 function. Several computational tools predict a significant impact on normal splicing: Four predict the variant abolishes a 5' splicing donor site. However, these predictions have yet to be confirmed by functional studies. The variant was absent in 164948 control chromosomes. c.7209+1G>A has been reported in the literature in individuals affected with Polycystic Kidney Disease 1 (example: Cornec-Le_2015). To our knowledge, no experimental evidence demonstrating an impact on protein function has been reported. The following publication has been ascertained in the context of this evaluation (PMID: 26150605). ClinVar contains an entry for this variant (Variation ID: 3579286). Based on the evidence outlined above, the variant was classified as likely pathogenic.

Fulgent Genetics
Classification: Pathogenic for Polycystic kidney disease, adult type. Last evaluated: 2024-01-05. Review status: criteria provided, single submitter. Criteria: ACMG Guidelines, 2015. Collection method: clinical testing. Allele origin: germline.

Literature cited by the submitters: PubMed 26150605 (cited by Women's Health and Genetics/Laboratory Corporation of America, LabCorp).